The following is an entry in ClinVar:

ClinVar aggregate classification (germline): Pathogenic (1 of 4 stars; one submission).

Conditions:
Joubert syndrome. Also called: CEREBELLOPARENCHYMAL DISORDER IV; JOUBERT-BOLTSHAUSER SYNDROME; Familial aplasia of the vermis. Identifiers: Orphanet 475, MedGen C5979921, MONDO:0018772.
Meckel-Gruber syndrome. Also called: DYSENCEPHALIA SPLANCHNOCYSTICA; GRUBER SYNDROME; Dysencephalia splachnocystica. Identifiers: Orphanet 564, MedGen C0265215, MONDO:0018921.

Submission:

Labcorp Genetics (formerly Invitae), Labcorp
Classification: Pathogenic for Joubert syndrome; Meckel-Gruber syndrome. Last evaluated: 2022-10-17. Review status: criteria provided, single submitter. Criteria: Invitae Variant Classification Sherloc (09022015). Collection method: clinical testing. Allele origin: germline.
Comment: This sequence change creates a premature translational stop signal (p.Glu859Valfs*8) in the RPGRIP1L gene. It is expected to result in an absent or disrupted protein product. Loss-of-function variants in RPGRIP1L are known to be pathogenic (PMID: 17558409). For these reasons, this variant has been classified as Pathogenic. This variant has not been reported in the literature in individuals affected with RPGRIP1L-related conditions. This variant is not present in population databases (gnomAD no frequency).

Literature cited by the submitters: PubMed 17558409.

NM_015272.5(RPGRIP1L):c.2576_2577del (p.Glu859fs)

Gene: RPGRIP1L (RPGRIP1 like; minus strand). Cytogenetic location: 16q12.2.
Variant type: Microsatellite.
Coding change: c.2576_2577del on transcript NM_015272.5 (MANE Select); coding-DNA positions 2576 to 2577, 2 bases deleted (AG; older notation c.2576_2577delAG).
Protein change: p.Glu859fs; shifts the reading frame from glutamic acid 859.
Molecular consequence: frameshift variant.
Genome position (GRCh38, 1-based): chr16:53,645,731-53,645,732, CT deleted on the plus strand (AG on the coding strand, the reverse complement: RPGRIP1L is on the minus strand); deleting any 2 consecutive bases within chr16:53,645,731-53,645,734 gives the same sequence; the c. name uses the placement nearest the transcript's 3' end. VCF-style (leftmost placement, unchanged base first): chr16-53645730-ACT-A. GRCh37 (hg19) VCF-style: chr16-53679642-ACT-A.
Other names: c.2576_2577del, p.Glu859fs (NM_001127897.4, NM_001308334.3, NM_001330538.2); short protein forms E859fs.
Identifiers: ClinVar variation 2077641 (VCV002077641.4), dbSNP rs2544102829, ClinGen allele CA2580613480.
Genomic context (GRCh38, chr16:53,645,730, plus strand): 5'-CTTTTCCTATGTAAATATTCTCCTGGGTATCACTATCATCAAAAACATAAAAACTCAGAG[ACT>A]CTGACTTAAGGTATCGATCCAAGTCCATATTCATTGGCACTGGGAAATACATATGATCAT-3'